The following is an entry in ClinVar:

NM_001244008.2(KIF1A):c.4082A>C (p.Tyr1361Ser)

Gene: KIF1A (kinesin family member 1A; minus strand). Cytogenetic location: 2q37.3.
Variant type: single nucleotide variant.
Coding change: c.4082A>C on transcript NM_001244008.2 (MANE Select); coding-DNA position 4082, A replaced by C.
Protein change: p.Tyr1361Ser; replaces tyrosine 1361 with serine.
Molecular consequence: missense variant.
Genome position (GRCh38, 1-based): chr2:240,726,866, T>G on the plus strand (A>C on the coding strand, the complement: KIF1A is on the minus strand). VCF-style: chr2-240726866-T-G. GRCh37 (hg19) VCF-style: chr2-241666283-T-G.
Other names: c.3833A>C, p.Tyr1278Ser (NM_001330289.2); c.3881A>C, p.Tyr1294Ser (NM_001330290.2, NM_001379648.1); c.4157A>C, p.Tyr1386Ser (NM_001379631.1); c.4058A>C, p.Tyr1353Ser (NM_001379632.1); c.4055A>C, p.Tyr1352Ser (NM_001379633.1, NM_001379645.1); c.3908A>C, p.Tyr1303Ser (NM_001379634.1); c.3905A>C, p.Tyr1302Ser (NM_001379635.1, NM_001379646.1); c.3893A>C, p.Tyr1298Ser (NM_001379636.1); and 7 more; short protein forms Y1259S, Y1260S, Y1268S, Y1269S, Y1277S, Y1278S, Y1285S, Y1294S.
Identifiers: ClinVar variation 4528196 (VCV004528196.1).

ClinVar aggregate classification (germline): Uncertain significance (1 of 4 stars; one submission).

Submission:

GeneDx
Classification: Uncertain significance. Last evaluated: 2025-05-07. Review status: criteria provided, single submitter. Criteria: GeneDx Variant Classification Process June 2021. Collection method: clinical testing. Allele origin: germline. Affected: yes.
Comment: Not observed at significant frequency in large population cohorts (gnomAD); In silico analysis supports that this missense variant has a deleterious effect on protein structure/function; Has not been previously published as pathogenic or benign to our knowledge